The following is an entry in ClinVar:

ClinVar aggregate classification (germline): Pathogenic/Likely pathogenic. Review status: criteria provided, multiple submitters, no conflicts (2 of 4 stars). 2 submissions from 2 submitters: Pathogenic (1); Likely pathogenic (1). Last evaluated 2024-07-26.

Conditions:
Dystonia 12 (DYT12). Also called: Rapid-Onset Dystonia-Parkinsonism (RDP); DYT-ATP1A3. Identifiers: Orphanet 71517, MedGen C1868681, MONDO:0007496, OMIM 128235.
Alternating hemiplegia of childhood 2 (AHC2). Also called: Alternating Hemiplegia of Childhood (AHC). Identifiers: Orphanet 2131, MedGen C3553788, MONDO:0013900, OMIM 614820.

Submissions (2):

Labcorp Genetics (formerly Invitae), Labcorp
Classification: Pathogenic for Dystonia 12. Last evaluated: 2024-07-26. Review status: criteria provided, single submitter. Criteria: Invitae Variant Classification Sherloc (09022015). Collection method: clinical testing. Allele origin: germline.
Comment: This sequence change replaces proline, which is neutral and non-polar, with leucine, which is neutral and non-polar, at codon 808 of the ATP1A3 protein (p.Pro808Leu). This variant is not present in population databases (gnomAD no frequency). This missense change has been observed in individual(s) with alternating hemiplegia (PMID: 24842602). In at least one individual the variant was observed to be de novo. Advanced modeling of protein sequence and biophysical properties (such as structural, functional, and spatial information, amino acid conservation, physicochemical variation, residue mobility, and thermodynamic stability) performed at Invitae indicates that this missense variant is expected to disrupt ATP1A3 protein function with a positive predictive value of 95%. For these reasons, this variant has been classified as Pathogenic.

3billion
Classification: Likely pathogenic for Alternating hemiplegia of childhood 2. Last evaluated: 2023-11-12. Review status: criteria provided, single submitter. Criteria: ACMG Guidelines, 2015. Collection method: clinical testing. Allele origin: germline. Affected: yes.
Comment: The variant is not observed in the gnomAD v2.1.1 dataset. Predicted Consequence/Location: Missense changes are a common disease-causing mechanism. In silico tool predictions suggest damaging effect of the variant on gene or gene product [REVEL: 0.98 (>=0.6, sensitivity 0.68 and specificity 0.92); 3Cnet: 0.95 (>=0.6, sensitivity 0.72 and precision 0.9)]. Same nucleotide change resulting in same amino acid change has been previously reported to be associated with ATP1A3-related disorder (PMID: 24842602). The variant has been previously reported as de novo in a similarly affected individual (PMID: 24842602). Therefore, this variant is classified as Likely pathogenic according to the recommendation of ACMG/AMP guideline.

Literature cited by the submitters: PubMed 24842602 (cited by Labcorp Genetics (formerly Invitae), Labcorp and 3billion).

NM_152296.5(ATP1A3):c.2423C>T (p.Pro808Leu)

Gene: ATP1A3 (ATPase Na+/K+ transporting subunit alpha 3; minus strand). Cytogenetic location: 19q13.2.
Variant type: single nucleotide variant.
Coding change: c.2423C>T on transcript NM_152296.5 (MANE Select); coding-DNA position 2423, C replaced by T.
Protein change: p.Pro808Leu; replaces proline 808 with leucine.
Molecular consequence: missense variant.
Genome position (GRCh38, 1-based): chr19:41,970,304, G>A on the plus strand (C>T on the coding strand, the complement: ATP1A3 is on the minus strand). VCF-style: chr19-41970304-G-A. GRCh37 (hg19) VCF-style: chr19-42474456-G-A.
Other names: c.2456C>T, p.Pro819Leu (NM_001256213.2); c.2462C>T, p.Pro821Leu (NM_001256214.2); short protein forms P821L, P819L, P808L.
Identifiers: ClinVar variation 3723594 (VCV003723594.3).